The following is an entry in ClinVar:

ClinVar aggregate classification (germline): Pathogenic. Review status: criteria provided, multiple submitters, no conflicts (2 of 4 stars). 2 submissions from 2 submitters: Pathogenic (2). Last evaluated 2023-07-19.

Conditions:
Retinitis pigmentosa 39 (RP39). Identifiers: Orphanet 791, MedGen C3151138, MONDO:0013436, OMIM 613809.

Submissions (2):

Labcorp Genetics (formerly Invitae), Labcorp
Classification: Pathogenic. Last evaluated: 2023-07-19. Review status: criteria provided, single submitter. Criteria: Invitae Variant Classification Sherloc (09022015). Collection method: clinical testing. Allele origin: germline.
Comment: For these reasons, this variant has been classified as Pathogenic. This sequence change creates a premature translational stop signal (p.Leu4058*) in the USH2A gene. It is expected to result in an absent or disrupted protein product. Loss-of-function variants in USH2A are known to be pathogenic (PMID: 10729113, 10909849, 20507924, 25649381). Information on the frequency of this variant in the gnomAD database is not available, as this variant may be reported differently in the database. This premature translational stop signal has been observed in individual(s) with clinical features of Usher syndrome (PMID: 24944099, 29099798).

Baylor Genetics
Classification: Pathogenic for Retinitis pigmentosa 39. Last evaluated: 2023-02-03. Review status: criteria provided, single submitter. Criteria: ACMG Guidelines, 2015. Collection method: clinical testing. Allele origin: unknown.

Literature cited by the submitters: PubMed 10729113 (cited by Labcorp Genetics (formerly Invitae), Labcorp); PubMed 10909849 (cited by Labcorp Genetics (formerly Invitae), Labcorp); PubMed 20507924 (cited by Labcorp Genetics (formerly Invitae), Labcorp); PubMed 25649381 (cited by Labcorp Genetics (formerly Invitae), Labcorp); PubMed 24944099 (cited by Labcorp Genetics (formerly Invitae), Labcorp); PubMed 29099798 (cited by Labcorp Genetics (formerly Invitae), Labcorp).

NM_206933.4(USH2A):c.12172_12174delinsTAAA (p.Leu4058Ter)

Gene: USH2A (usherin; minus strand). Cytogenetic location: 1q41.
Variant type: Indel.
Coding change: c.12172_12174delinsTAAA on transcript NM_206933.4 (MANE Select); coding-DNA positions 12172 to 12174, CTG replaced by TAAA.
Protein change: p.Leu4058Ter; replaces leucine 4058 with a stop codon.
Molecular consequence: nonsense.
Genome position (GRCh38, 1-based): chr1:215,680,269-215,680,271, CAG replaced by TTTA on the plus strand (CTG replaced by TAAA on the coding strand, the reverse complement: USH2A is on the minus strand). VCF-style: chr1-215680269-CAG-TTTA. GRCh37 (hg19) VCF-style: chr1-215853611-CAG-TTTA.
Other names: short protein forms L4058*.
Identifiers: ClinVar variation 2679538 (VCV002679538.4), dbSNP rs2464914936, ClinGen allele CA2586968202.
Genomic context (GRCh38, chr1:215,680,269, plus strand): 5'-CTCTTTCTGTTCTACTATAAAGTTTCTCAGTCCACTTGGGGAAGATTCTAAGGTTTGAAT[CAG>TTTA]AGTCCAAGGGCTTAAAATTTCTCCTGCATGGTTTGCAGCCACAACACCAATGCGATATGT-3'